The following is an entry in ClinVar:

ClinVar aggregate classification (germline): Uncertain significance (1 of 4 stars; one submission).

Conditions:
Familial focal epilepsy with variable foci (FPEVF). Identifiers: Orphanet 98820, MedGen C1858477, MONDO:0020310.

Submission:

Labcorp Genetics (formerly Invitae), Labcorp
Classification: Uncertain significance for Familial focal epilepsy with variable foci. Last evaluated: 2024-11-18. Review status: criteria provided, single submitter. Criteria: Invitae Variant Classification Sherloc (09022015). Collection method: clinical testing. Allele origin: germline.
Comment: This sequence change replaces threonine, which is neutral and polar, with isoleucine, which is neutral and non-polar, at codon 1534 of the DEPDC5 protein (p.Thr1534Ile). This variant is not present in population databases (gnomAD no frequency). This variant has not been reported in the literature in individuals affected with DEPDC5-related conditions. Experimental studies and prediction algorithms are not available or were not evaluated, and the functional significance of this variant is currently unknown. In summary, the available evidence is currently insufficient to determine the role of this variant in disease. Therefore, it has been classified as a Variant of Uncertain Significance.

NM_001242896.3(DEPDC5):c.4601C>T (p.Thr1534Ile)

Gene: DEPDC5 (DEP domain containing 5, GATOR1 subcomplex subunit; plus strand). Cytogenetic location: 22q12.3.
Variant type: single nucleotide variant.
Coding change: c.4601C>T on transcript NM_001242896.3 (MANE Select); coding-DNA position 4601, C replaced by T.
Protein change: p.Thr1534Ile; replaces threonine 1534 with isoleucine.
Molecular consequence: missense variant. On other transcripts: non-coding transcript variant (5).
Genome position (GRCh38, 1-based): chr22:31,906,286, C>T. VCF-style: chr22-31906286-C-T. GRCh37 (hg19) VCF-style: chr22-32302272-C-T.
Other names: c.4574C>T, p.Thr1525Ile (NM_001136029.4); c.4301C>T, p.Thr1434Ile (NM_001242897.2); c.4535C>T, p.Thr1512Ile (NM_001363852.2, NM_001364320.2); c.4367C>T, p.Thr1456Ile (NM_001363854.2, NM_001364319.2); c.4601C>T, p.Thr1534Ile (NM_001364318.2); c.4517C>T, p.Thr1506Ile (NM_001369901.1, NM_001369902.1); c.4508C>T, p.Thr1503Ile (NM_001369903.1, NM_014662.6); short protein forms T1434I, T1506I, T1512I, T1456I, T1503I, T1525I, T1534I.
Identifiers: ClinVar variation 3695819 (VCV003695819.2).
Genomic context (GRCh38, chr22:31,906,286, plus strand): 5'-CCTACTCCAAGCGCAAGTTCTCAGGGCAGCAGCGGCGGCGGCGGAACTCCACCAGCTCCA[C>T]CAACCAGAACATGTTCTGCGAGGAGCGGGTCGGCTACAACTGGGCCTACAACACCATGCT-3'
Protein context (NP_001229825.1, residues 1524-1544): QRRRRNSTSS[Thr1534Ile]NQNMFCEERV